The following is an entry in ClinVar:

ClinVar aggregate classification (germline): Conflicting classifications of pathogenicity. Review status: criteria provided, conflicting classifications (1 of 4 stars). 5 submissions from 5 submitters: Likely pathogenic (1); Uncertain significance (3). 1 of the submissions does not count toward it. Last evaluated 2025-06-16.

Conditions:
Cardiovascular phenotype. Identifiers: MedGen CN230736.
Familial long QT syndrome (RWS). Also called: Congenital long QT syndrome; Romano-Ward syndrome; VENTRICULAR FIBRILLATION WITH PROLONGED QT INTERVAL. Identifiers: Orphanet 768, MedGen C1141890, MONDO:0019171.
Long QT syndrome (LQTS). Identifiers: MedGen C0023976, MeSH D008133, MONDO:0002442. Disease mechanism: loss of function. Inheritance: Various modes of inheritance.

Submissions (5):

Labcorp Genetics (formerly Invitae), Labcorp
Classification: Uncertain significance for Long QT syndrome. Last evaluated: 2025-06-16. Review status: criteria provided, single submitter. Criteria: Invitae Variant Classification Sherloc (09022015). Collection method: clinical testing. Allele origin: germline.
Comment: This sequence change replaces alanine, which is neutral and non-polar, with proline, which is neutral and non-polar, at codon 194 of the KCNQ1 protein (p.Ala194Pro). This variant is not present in population databases (gnomAD no frequency). This missense change has been observed in individual(s) with long QT syndrome (PMID: 10973849, 21063070). ClinVar contains an entry for this variant (Variation ID: 53075). Invitae Evidence Modeling of protein sequence and biophysical properties (such as structural, functional, and spatial information, amino acid conservation, physicochemical variation, residue mobility, and thermodynamic stability) indicates that this missense variant is expected to disrupt KCNQ1 protein function with a positive predictive value of 95%. In summary, the available evidence is currently insufficient to determine the role of this variant in disease. Therefore, it has been classified as a Variant of Uncertain Significance.

Ambry Genetics
Classification: Uncertain significance for Cardiovascular phenotype. Last evaluated: 2019-08-10. Review status: criteria provided, single submitter. Criteria: Ambry Variant Classification Scheme 2023. Collection method: clinical testing. Allele origin: germline.

Women's Health and Genetics/Laboratory Corporation of America, LabCorp
Classification: Uncertain significance. Last evaluated: 2016-04-05. Review status: criteria provided, single submitter. Criteria: LabCorp Variant Classification Summary - May 2015. Collection method: clinical testing. Allele origin: germline.
Comment: Variant summary: The KCNQ1 c.580G>C variant affects a conserved nucleotide, resulting in amino acid change from Ala to Pro. 4/4 in-silico tools predict a damaging outcome for this variant (SNPs&GO not captured due to low reliability index). This variant has been reported in at least 3 patients with LQTS and was not found in 120200 control chromosomes. In addition, one clinical laboratory classified this variant as pathogenic without evidence to independently evaluate. Taken together, this variant was classified as VUS-possibly pathogenic.

Stanford Center for Inherited Cardiovascular Disease, Stanford University
Classification: Likely pathogenic. Last evaluated: 2014-10-13. Review status: criteria provided, single submitter. Criteria: ACMG Guidelines, 2015. Collection method: provider interpretation. Allele origin: germline.

Cardiovascular Biomedical Research Unit, Royal Brompton & Harefield NHS Foundation Trust
No classification provided. Condition: Familial long QT syndrome. Review status: no classification provided. Collection method: literature only. Allele origin: germline. Not counted in ClinVar's aggregate classification.
Comment: This variant has been reported as associated with Long QT syndrome in the following publications (PMID:10973849). This is a literature report, and does not necessarily reflect the clinical interpretation of the Imperial College / Royal Brompton Cardiovascular Genetics laboratory.

Literature cited by the submitters: PubMed 10973849 (cited by 3 submitters); PubMed 21063070 (cited by Labcorp Genetics (formerly Invitae), Labcorp and Women's Health and Genetics/Laboratory Corporation of America, LabCorp); PubMed 22581653 (cited by Women's Health and Genetics/Laboratory Corporation of America, LabCorp and Cardiovascular Biomedical Research Unit, Royal Brompton & Harefield NHS Foundation Trust); PubMed 19041715 (cited by Women's Health and Genetics/Laboratory Corporation of America, LabCorp); PubMed 12388934 (cited by Women's Health and Genetics/Laboratory Corporation of America, LabCorp); PubMed 20486126 (cited by Women's Health and Genetics/Laboratory Corporation of America, LabCorp); PubMed 17999538 (cited by Women's Health and Genetics/Laboratory Corporation of America, LabCorp); PubMed 26318259 (cited by Women's Health and Genetics/Laboratory Corporation of America, LabCorp); PubMed 19862833 (cited by Women's Health and Genetics/Laboratory Corporation of America, LabCorp).

NM_000218.3(KCNQ1):c.580G>C (p.Ala194Pro)

Gene: KCNQ1 (potassium voltage-gated channel subfamily Q member 1; plus strand). Cytogenetic location: 11p15.5.
Variant type: single nucleotide variant.
Coding change: c.580G>C on transcript NM_000218.3 (MANE Select); coding-DNA position 580, G replaced by C.
Protein change: p.Ala194Pro; replaces alanine 194 with proline.
Molecular consequence: missense variant.
Genome position (GRCh38, 1-based): chr11:2,570,730, G>C. VCF-style: chr11-2570730-G-C. GRCh37 (hg19) VCF-style: chr11-2591960-G-C.
Other names: c.580G>C (LRG_287t1); c.580G>C, p.Ala194Pro (NM_001406836.1); c.310G>C, p.Ala104Pro (NM_001406837.1); c.199G>C, p.Ala67Pro (NM_181798.2); short protein forms A194P, A67P, A104P.
Identifiers: ClinVar variation 53075 (VCV000053075.12), dbSNP rs199472699, ClinGen allele CA007628.